The following is an entry in ClinVar:

NM_007294.4(BRCA1):c.671-1G>T

Gene: BRCA1 (BRCA1 DNA repair associated; minus strand). Cytogenetic location: 17q21.31.
Variant type: single nucleotide variant.
Coding change: c.671-1G>T on transcript NM_007294.4 (MANE Select); the canonical splice acceptor site of the intron before coding-DNA position 671, G replaced by T.
Molecular consequence: splice acceptor variant. On other transcripts: intron variant (13).
Genome position (GRCh38, 1-based): chr17:43,094,861, C>A on the plus strand (G>T on the coding strand, the complement: BRCA1 is on the minus strand). VCF-style: chr17-43094861-C-A. GRCh37 (hg19) VCF-style: chr17-41246878-C-A.
Other names: IVS10-1G>T; c.407-1G>T (NM_001407935.1, NM_001407926.1, NM_001408498.1 and 15 more transcripts); c.530-1G>T (NM_001407851.1, NM_001407735.1, NM_001407729.1 and 43 more transcripts); c.458-1G>T (NM_001407899.1, NM_001407898.1, NM_001408491.1 and 12 more transcripts); c.460+985G>T (NM_001408507.1, NM_001408506.1); c.545-3829G>T (NM_001408495.1); c.545-1G>T (NM_001408448.1, NM_001407686.1, NM_001408446.1 and 20 more transcripts); c.667+985G>T (NM_001408421.1, NM_001408431.1, NM_001408424.1); and 21 more.
Identifiers: ClinVar variation 125908 (VCV000125908.29), dbSNP rs80358020, ClinGen allele CA003805.
Genomic context (GRCh38, chr17:43,094,861, plus strand): 5'-TATTACTGGGTTGATGATGTTCAGTATTTGTTACATCCGTCTCAGAAAATTCACAAGCAG[C>A]TGAAAATATACAAAAATAACAAGGTACTCAAAAACTGAATTGTCATTAAAAAAATACATA-3'

ClinVar aggregate classification (germline): Uncertain significance. Review status: reviewed by expert panel (3 of 4 stars). 11 submissions from 11 submitters: Uncertain significance (1). 10 of the submissions do not count toward it. Last evaluated 2026-09-21.

Conditions:
BRCA1-related cancer predisposition. Identifiers: MedGen CN377757, MONDO:0700268.
Hereditary cancer-predisposing syndrome. Also called: Tumor predisposition; Hereditary neoplastic syndrome; Hereditary Cancer Syndrome; Neoplastic Syndromes, Hereditary. Identifiers: Orphanet 140162, MedGen C0027672, MeSH D009386, MONDO:0015356.
Hereditary breast ovarian cancer syndrome. Also called: Hereditary breast and/or ovarian cancer syndrome; Breast and ovarian cancer; Hereditary breast and ovarian cancer syndrome; Hereditary breast and ovarian cancer; Hereditary breast and ovarian cancer syndrome (HBOC); BRCA1- and BRCA2-Associated Hereditary Breast and Ovarian Cancer. Identifiers: Orphanet 145, MedGen C0677776, MeSH D061325, MONDO:0003582. Disease mechanism: loss of function.
Breast-ovarian cancer, familial, susceptibility to, 1 (BROVCA1). Also called: BRCA1 Hereditary Breast and Ovarian Cancer; OVARIAN CANCER, SUSCEPTIBILITY TO. Identifiers: Orphanet 145, MedGen C2676676, MONDO:0011450, OMIM 604370. Disease mechanism: loss of function.
Familial cancer of breast. Also called: Hereditary breast cancer; hereditary breast carcinoma; BREAST CANCER, FAMILIAL. Identifiers: Orphanet 227535, MedGen C0346153, MONDO:0016419, OMIM 114480. Disease mechanism: loss of function.

Submissions (11):

ClinGen ENIGMA BRCA1 and BRCA2 Variant Curation Expert Panel, ClinGen
Classification: Uncertain significance for BRCA1-related cancer predisposition. Last evaluated: 2026-09-21. Review status: reviewed by expert panel. Criteria: CSpec BRCA1/2ACMG Rules Specifications V1.2. Collection method: curation. Allele origin: germline. Inheritance: Autosomal dominant inheritance.
Comment: The c.671-1G>T variant is an intronic variant within the native acceptor 1,2 splice site occurring in intron 9(10) of the BRCA1 gene. Legacy exon numbering is shown in parentheses. This variant is absent from gnomAD v4.1 (read depth ≥25x in >90% samples, PM2_Supporting met). This variant has a SpliceAI score of 0.98, predicting an impact on splicing (score threshold ≥0.2) (PP3_N/A for variants inside the donor/acceptor 1,2 sites). It is predicted to cause in-frame ΔE10[ΔE11] and Δ(E8_E10)[Δ(E9_E11)] and several other minor isoforms, suspected (partially) functional. In-frame deletion variant of exon 10(11) that does not overlap a (potentially) clinically important functional domain (RING/BRCT domain) but removes >10% of the coding sequence. RT-PCRseq demonstrated that the variant impacts splicing by skipping of exon 10(11). The percent of aberrant transcripts produced was 35-45%, using a non-allele specific quantitative assessment with sequence analysis (Ambry internal data) (PVS1_Moderate (RNA) met). Multifactorial likelihood ratio analysis using clinically calibrated data produced a combined LR for this variant of 7.08 (based on Pathology LR=0.4; Segregation LR=6.09; Co-occurrence LR=1.03; Family History LR=2.82), within the thresholds for moderate evidence towards pathogenicity (LR ≥4.3 & <18.7) (PP4_Moderate met; PMID: 31853058, Internal lab contributors). In summary, this variant meets the criteria to be classified as a Variant of uncertain significance for BRCA1-related cancer predisposition based on the ACMG/AMP criteria applied as specified by the ENIGMA BRCA1/2 VCEP (PM2_Supporting, PP4_Moderate, PVS1_Moderate (RNA)).

German Consortium for Hereditary Breast and Ovarian Cancer, University Hospital Cologne
Classification: Uncertain significance for Hereditary breast ovarian cancer syndrome. Last evaluated: 2026-02-10. Review status: criteria provided, single submitter. Criteria: ClinGen BRCA1 V1.1.0. Collection method: curation. Allele origin: germline. Not counted in ClinVar's aggregate classification.
Comment: This classification follows the ClinGen ENIGMA BRCA1 v1.1.0 classification scheme; We chose these criteria: PVS1 (medium pathogenic): according to specifications Table 4 v.1.2 (VCEP BRCA1 Version 1.2.0), PM2 (supporting pathogenic): absent from gnomAD v2/3/4, PP4 (supporting pathogenic): Combined LR 2,9 PMIDs: 31131967,31853058

Labcorp Genetics (formerly Invitae), Labcorp
Classification: Pathogenic for Hereditary breast ovarian cancer syndrome. Last evaluated: 2025-12-23. Review status: criteria provided, single submitter. Criteria: Invitae Variant Classification Sherloc (09022015). Collection method: clinical testing. Allele origin: germline. Not counted in ClinVar's aggregate classification.
Comment: This sequence change affects an acceptor splice site in intron 9 of the BRCA1 gene. RNA analysis indicates that disruption of this splice site induces altered splicing and may result in an absent or altered protein product. This variant is not present in population databases (gnomAD no frequency). Disruption of this splice site has been observed in individual(s) with a personal and/or family history of breast and/or ovarian cancer (PMID: 29446198, 29470806). ClinVar contains an entry for this variant (Variation ID: 125908). Studies have shown that disruption of this splice site results in multiple aberrant transcripts, and produces a non-functional protein and/or introduces a premature termination codon (PMID: 14513821; internal data). For these reasons, this variant has been classified as Pathogenic.

Ambry Genetics
Classification: Likely pathogenic for Hereditary cancer-predisposing syndrome. Last evaluated: 2025-04-16. Review status: criteria provided, single submitter. Criteria: Ambry Variant Classification Scheme 2023. Collection method: clinical testing. Allele origin: germline. Not counted in ClinVar's aggregate classification.
Comment: The c.671-1G>T intronic variant results from a G to T substitution one nucleotide upstream from coding exon 9 of the BRCA1 gene. This alteration was also identified in a large, worldwide study of BRCA1/2 mutation-positive families (Rebbeck TR et al. Hum. Mutat. 2018 05;39:593-620). This nucleotide position is completely conserved on sequence alignment in available vertebrate species. In silico splice site analysis predicts that this alteration will weaken the native splice acceptor site; however, direct evidence is insufficient at this time (Ambry internal data). Alterations that disrupt the canonical splice site are expected to cause aberrant splicing, resulting in an abnormal protein or a transcript that is subject to nonsense-mediated mRNA decay; however this exon, which comprises over 50% of the BRCA1 protein, is absent in part or in whole in naturally occurring alternative splicing isoforms (Colombo M et al. Hum Mol Genet 2014 Jul;23(14):3666-80). Functional studies have shown that loss of this exon may impair cellular localization and have reduced, but not lost, DNA damage repair function (Thakur S et al. Mol Cell Biol 1997 Jan;17(1):444-52, Huber LJ et al. Mol Cell Biol 2001 Jun;21(12):4005-15, Kim SS et al. Mol Cell Biol 2006 Sep;26(18):6983-92). Additionally, mouse embryos with homozygous BRCA1 coding exon 9 deletions survive longer than BRCA1-null embryos, suggesting protein without exon 9 may still be able to perform some BRCA1 essential functions (Huber LJ et al. Mol Cell Biol 2001 Jun;21(12):4005-15). Based on the majority of available evidence to date, this variant is likely pathogenic. However, carriers of this variant and their families may present with reduced risks, and not with the typical clinical characteristics of a high-risk pathogenic BRCA1 alteration. As risk estimates are unknown at this time, clinical correlation is advised.

Quest Diagnostics Nichols Institute San Juan Capistrano
Classification: Pathogenic. Last evaluated: 2025-02-03. Review status: criteria provided, single submitter. Criteria: Quest Diagnostics criteria. Collection method: clinical testing. Allele origin: unknown. Not counted in ClinVar's aggregate classification.
Comment: The BRCA1 c.671-1G>T variant disrupts a canonical splice-acceptor site and interferes with normal BRCA1 mRNA splicing. This variant has been reported in the published literature in individuals with breast and/or ovarian cancer (PMID: 29470806 (2018), 26911350 (2016), 35918668 (2022)). This variant has not been reported in large, multi-ethnic general populations (Genome Aggregation Database). Based on the available information, this variant is classified as pathogenic.

Women's Health and Genetics/Laboratory Corporation of America, LabCorp
Classification: Pathogenic for Hereditary breast ovarian cancer syndrome. Last evaluated: 2024-11-26. Review status: criteria provided, single submitter. Criteria: LabCorp Variant Classification Summary - May 2015. Collection method: clinical testing. Allele origin: germline. Not counted in ClinVar's aggregate classification.
Comment: Variant summary: BRCA1 c.671-1G>T is located in a canonical splice-site and is predicted to affect mRNA splicing resulting in a significantly altered protein due to either exon skipping, shortening, or inclusion of intronic material. Variants that disrupt the consensus splice site are a relatively common cause of aberrant splicing and loss of BRCA1 function. Several computational tools predict a significant impact on normal splicing: Four predict the variant abolishes a 3' acceptor site. However, these predictions have yet to be confirmed by functional studies. The variant was absent in 236750 control chromosomes (gnomAD). c.671-1G>T has been reported in the literature in individuals affected with hereditary breast and ovarian cancer syndrome (example: Mannan_2016, Rebbeck_2018, Tuncer_2024, Zhang_2022). These data indicate that the variant is likely to be associated with disease. To our knowledge, no experimental evidence demonstrating an impact on protein function has been reported. The following publications have been ascertained in the context of this evaluation (PMID: 36660366, 26911350, 29446198, 38219492, 35918668). ClinVar contains an entry for this variant (Variation ID: 125908). Based on the evidence outlined above, the variant was classified as pathogenic.

GeneDx
Classification: Uncertain significance. Last evaluated: 2020-08-24. Review status: criteria provided, single submitter. Criteria: GeneDx Variant Classification Process June 2021. Collection method: clinical testing. Allele origin: germline. Affected: yes. Not counted in ClinVar's aggregate classification.
Comment: Not observed in large population cohorts (Lek et al., 2016); This variant is associated with the following publications: (PMID: 28726806, 29446198, 29470806, 28152038, 21523855, 12960223, 26911350, 31131967)

Consortium of Investigators of Modifiers of BRCA1/2 (CIMBA), c/o University of Cambridge
Classification: Pathogenic for Breast-ovarian cancer, familial, susceptibility to, 1. Last evaluated: 2015-10-02. Review status: criteria provided, single submitter. Criteria: CIMBA Mutation Classification guidelines May 2016. Collection method: clinical testing. Allele origin: germline. Not counted in ClinVar's aggregate classification.

Research Molecular Genetics Laboratory, Women's College Hospital, University of Toronto
Classification: Pathogenic for Hereditary breast ovarian cancer syndrome. Last evaluated: 2014-01-31. Review status: no assertion criteria provided. Collection method: research. Allele origin: germline. Affected: yes. Study: The Canadian Open Genetics Repository (COGR). Not counted in ClinVar's aggregate classification.

Breast Cancer Information Core (BIC) (BRCA1)
Classification: Pathogenic for Breast-ovarian cancer, familial 1. Last evaluated: 2004-02-20. Review status: no assertion criteria provided. Collection method: clinical testing. Allele origin: germline. Affected: yes. Observed: 1 variant allele. Not counted in ClinVar's aggregate classification.

Center for Precision Medicine, Meizhou People's Hospital
Classification: Likely pathogenic for Familial cancer of breast. Review status: no assertion criteria provided. Collection method: literature only. Allele origin: germline. Affected: yes. Not counted in ClinVar's aggregate classification.

Literature cited by the submitters: PubMed 29446198 (cited by 5 submitters); PubMed 29470806 (cited by Labcorp Genetics (formerly Invitae), Labcorp and Quest Diagnostics Nichols Institute San Juan Capistrano); PubMed 14513821 (cited by Labcorp Genetics (formerly Invitae), Labcorp); PubMed 26911350 (cited by 4 submitters); PubMed 35918668 (cited by Quest Diagnostics Nichols Institute San Juan Capistrano and Women's Health and Genetics/Laboratory Corporation of America, LabCorp); PubMed 36660366 (cited by Women's Health and Genetics/Laboratory Corporation of America, LabCorp); PubMed 38219492 (cited by Women's Health and Genetics/Laboratory Corporation of America, LabCorp).